The following is an entry in ClinVar:

NM_031471.6(FERMT3):c.1688A>G (p.Lys563Arg)

Gene: FERMT3 (FERM domain containing kindlin 3; plus strand). Cytogenetic location: 11q13.1.
Variant type: single nucleotide variant.
Coding change: c.1688A>G on transcript NM_031471.6 (MANE Select); coding-DNA position 1688, A replaced by G.
Protein change: p.Lys563Arg; replaces lysine 563 with arginine.
Molecular consequence: missense variant.
Genome position (GRCh38, 1-based): chr11:64,223,065, A>G. VCF-style: chr11-64223065-A-G. GRCh37 (hg19) VCF-style: chr11-63990537-A-G.
Other names: c.1688A>G (NM_031471.5); c.1688A>G, p.Lys563Arg (NM_001382361.1, NM_001382448.1); c.1700A>G, p.Lys567Arg (NM_001382362.1, NM_178443.3); c.1148A>G, p.Lys383Arg (NM_001382363.1); c.1160A>G, p.Lys387Arg (NM_001382364.1); short protein forms K383R, K387R, K563R, K567R.
Identifiers: ClinVar variation 1019471 (VCV001019471.9), dbSNP rs754239815, ClinGen allele CA6069261.

ClinVar aggregate classification (germline): Uncertain significance. Review status: criteria provided, multiple submitters, no conflicts (2 of 4 stars). 2 submissions from 2 submitters: Uncertain significance (2). Last evaluated 2025-12-02.

Conditions:
Leukocyte adhesion deficiency 3. Also called: Leukocyte adhesion deficiency, type III; INTEGRIN ACTIVATION DEFICIENCY DISEASE; LEUKOCYTE ADHESION DEFICIENCY 1 VARIANT. Identifiers: Orphanet 2968, Orphanet 99844, MedGen C2748536, MONDO:0013016, OMIM 612840.
FERMT3-related disorder. Also called: FERMT3-related condition.

Allele frequency attached by ClinVar (database versions not stated): gnomAD exomes below 0.00001; ExAC 0.00001.
gnomAD v4.1: 3 of 1,613,688 alleles (0.00019%); highest among the groups gnomAD compares: East Asian, 0.0067%; 1 homozygote.

Submissions (2):

PreventionGenetics, part of Exact Sciences
Classification: Uncertain significance for FERMT3-related condition. Last evaluated: 2025-12-02. Review status: criteria provided, single submitter. Criteria: ACMG Guidelines, 2015. Collection method: clinical testing. Allele origin: germline.
Comment: The FERMT3 c.1688A>G variant is predicted to result in the amino acid substitution p.Lys563Arg. To our knowledge, this variant has not been reported in the literature. This variant is reported in 0.0054% of alleles in individuals of East Asian descent in gnomAD. At this time, the clinical significance of this variant is uncertain due to the absence of conclusive functional and genetic evidence.

Labcorp Genetics (formerly Invitae), Labcorp
Classification: Uncertain significance for Leukocyte adhesion deficiency 3. Last evaluated: 2020-08-20. Review status: criteria provided, single submitter. Criteria: Invitae Variant Classification Sherloc (09022015). Collection method: clinical testing. Allele origin: germline.
Comment: In summary, the available evidence is currently insufficient to determine the role of this variant in disease. Therefore, it has been classified as a Variant of Uncertain Significance. Algorithms developed to predict the effect of missense changes on protein structure and function are either unavailable or do not agree on the potential impact of this missense change (SIFT: "Tolerated"; PolyPhen-2: "Possibly Damaging"; Align-GVGD: "Class C0"). This variant has not been reported in the literature in individuals with FERMT3-related conditions. This variant is present in population databases (rs754239815, ExAC 0.01%). This sequence change replaces lysine with arginine at codon 563 of the FERMT3 protein (p.Lys563Arg). The lysine residue is highly conserved and there is a small physicochemical difference between lysine and arginine.